The following is an entry in ClinVar:

NM_003590.5(CUL3):c.920C>A (p.Pro307Gln)

Gene: CUL3 (cullin 3; minus strand). Cytogenetic location: 2q36.2.
Variant type: single nucleotide variant.
Coding change: c.920C>A on transcript NM_003590.5 (MANE Select); coding-DNA position 920, C replaced by A.
Protein change: p.Pro307Gln; replaces proline 307 with glutamine.
Molecular consequence: missense variant.
Genome position (GRCh38, 1-based): chr2:224,506,967, G>T on the plus strand (C>A on the coding strand, the complement: CUL3 is on the minus strand). VCF-style: chr2-224506967-G-T. GRCh37 (hg19) VCF-style: chr2-225371684-G-T.
Other names: c.722C>A, p.Pro241Gln (NM_001257197.2); c.938C>A, p.Pro313Gln (NM_001257198.2); short protein forms P241Q, P307Q, P313Q.
Identifiers: ClinVar variation 3365586 (VCV003365586.1).

ClinVar aggregate classification (germline): Uncertain significance (1 of 4 stars; one submission).

Submission:

GeneDx
Classification: Uncertain significance. Last evaluated: 2023-12-18. Review status: criteria provided, single submitter. Criteria: GeneDx Variant Classification Process June 2021. Collection method: clinical testing. Allele origin: germline. Affected: yes.
Comment: Not observed at significant frequency in large population cohorts (gnomAD); In silico analysis supports that this missense variant does not alter protein structure/function; Has not been previously published as pathogenic or benign to our knowledge